The following is an entry in ClinVar:

NM_001366145.2(TRPM3):c.4725G>A (p.Ala1575=)

Genes: KLF9-DT (KLF9 divergent transcript; plus strand), TRPM3 (transient receptor potential cation channel subfamily M member 3; minus strand). Cytogenetic location: 9q21.12.
Variant type: single nucleotide variant.
Coding change: c.4725G>A on transcript NM_001366145.2 (MANE Select); coding-DNA position 4725, G replaced by A.
Protein change: p.Ala1575=; no amino-acid change (alanine 1575 retained).
Molecular consequence: synonymous variant. On other transcripts: intron variant (8).
Genome position (GRCh38, 1-based): chr9:70,536,388, C>T on the plus strand (G>A on the coding strand, the complement: TRPM3 is on the minus strand). VCF-style: chr9-70536388-C-T. GRCh37 (hg19) VCF-style: chr9-73151304-C-T.
Other names: c.4230G>A, p.Ala1410= (NM_020952.6); c.4266G>A, p.Ala1422= (NM_024971.7); c.4200G>A, p.Ala1400= (NM_206944.5); c.4236G>A, p.Ala1412= (NM_206945.5); c.4305G>A, p.Ala1435= (NM_206946.5); c.4275G>A, p.Ala1425= (NM_206947.5); c.3961+734G>A (NM_001366143.2); c.3997+734G>A (NM_001366142.2); and 9 more.
Identifiers: ClinVar variation 3770889 (VCV003770889.14).

ClinVar aggregate classification (germline): Likely benign. Review status: criteria provided, multiple submitters, no conflicts (2 of 4 stars). 2 submissions from 2 submitters: Likely benign (2). Last evaluated 2025-01-01.

gnomAD v4.1: 236 of 1,613,998 alleles (0.015%); highest among the groups gnomAD compares: African/African-American, 0.12%; no homozygotes.

Submissions (2):

CeGaT Center for Human Genetics Tuebingen
Classification: Likely benign. Last evaluated: 2025-01-01. Review status: criteria provided, single submitter. Criteria: CeGaT Center For Human Genetics Tuebingen Variant Classification Criteria Version 2. Collection method: clinical testing. Allele origin: germline. Affected: yes. Observed: 1 variant allele.
Comment: TRPM3: BP4, BP7

Blueprint Genetics
Classification: Likely benign. Last evaluated: 2024-09-06. Review status: criteria provided, single submitter. Criteria: ACMG Guidelines, 2015. Collection method: clinical testing. Allele origin: germline.